The following is an entry in ClinVar:

NM_001352754.2(ARMC9):c.1167G>A (p.Gln389=)

Gene: ARMC9 (armadillo repeat containing 9; plus strand). Cytogenetic location: 2q37.1.
Variant type: single nucleotide variant.
Coding change: c.1167G>A on transcript NM_001352754.2 (MANE Select); coding-DNA position 1167, G replaced by A.
Protein change: p.Gln389=; no amino-acid change (glutamine 389 retained).
Molecular consequence: synonymous variant. On other transcripts: non-coding transcript variant (1).
Genome position (GRCh38, 1-based): chr2:231,271,029, G>A. VCF-style: chr2-231271029-G-A. GRCh37 (hg19) VCF-style: chr2-232135742-G-A.
Other names: c.1167G>A, p.Gln389= (NM_001271466.4, NM_001291656.2, NM_001352755.2 and 3 more transcripts); c.1068G>A, p.Gln356= (NM_001352757.2, NM_001352758.2); c.1167G>A (NM_025139.5).
Identifiers: ClinVar variation 727611 (VCV000727611.12), dbSNP rs146934178, ClinGen allele CA2160219.

ClinVar aggregate classification (germline): Benign/Likely benign. Review status: criteria provided, multiple submitters, no conflicts (2 of 4 stars). 3 submissions from 3 submitters: Benign (1); Likely benign (1). 1 of the submissions does not count toward it. Last evaluated 2025-12-09.

Conditions:
ARMC9-related disorder. Also called: ARMC9-related condition.

Allele frequency attached by ClinVar (database versions not stated): gnomAD exomes 0.00013 and 0.00060; gnomAD 0.00017 and 0.00031; TOPMed 0.00033; ExAC 0.00054; 1000 Genomes Project 30x 0.00219; 1000 Genomes Project 0.00260.
gnomAD v4.1: 243 of 1,614,190 alleles (0.015%); highest among the groups gnomAD compares: East Asian, 0.49%; 2 homozygotes.

Submissions (3):

Labcorp Genetics (formerly Invitae), Labcorp
Classification: Benign. Last evaluated: 2025-12-09. Review status: criteria provided, single submitter. Criteria: Invitae Variant Classification Sherloc (09022015). Collection method: clinical testing. Allele origin: germline.

Blueprint Genetics
Classification: Likely benign. Last evaluated: 2024-11-19. Review status: criteria provided, single submitter. Criteria: ACMG Guidelines, 2015. Collection method: clinical testing. Allele origin: germline.

PreventionGenetics, part of Exact Sciences
Classification: Benign for ARMC9-related condition. Last evaluated: 2019-07-30. Review status: no assertion criteria provided. Collection method: clinical testing. Allele origin: germline. Not counted in ClinVar's aggregate classification.
Comment: This variant is classified as benign based on ACMG/AMP sequence variant interpretation guidelines (Richards et al. 2015 PMID: 25741868, with internal and published modifications).